The following is an entry in ClinVar:

ClinVar aggregate classification (germline): Likely pathogenic (1 of 4 stars; one submission).

Conditions:
Long QT syndrome (LQTS). Identifiers: MedGen C0023976, MeSH D008133, MONDO:0002442. Disease mechanism: loss of function. Inheritance: Various modes of inheritance.

Allele frequency attached by ClinVar (database versions not stated): gnomAD exomes below 0.00001; ExAC 0.00001.
gnomAD v4.1: 1 of 1,564,304 alleles (0.000064%); highest among the groups gnomAD compares: Admixed American, 0.0017%; no homozygotes.

Submission:

Labcorp Genetics (formerly Invitae), Labcorp
Classification: Likely pathogenic for Long QT syndrome. Last evaluated: 2024-04-17. Review status: criteria provided, single submitter. Criteria: Invitae Variant Classification Sherloc (09022015). Collection method: clinical testing. Allele origin: germline.
Comment: This sequence change affects a donor splice site in intron 5 of the ANK2 gene. It is expected to disrupt RNA splicing. Variants that disrupt the donor or acceptor splice site typically lead to a loss of protein function (PMID: 16199547), and loss-of-function variants in ANK2 are known to be pathogenic (PMID: 37195288). This variant is present in population databases (rs763130672, gnomAD 0.003%). This variant has not been reported in the literature in individuals affected with ANK2-related conditions. ClinVar contains an entry for this variant (Variation ID: 2101362). Algorithms developed to predict the effect of sequence changes on RNA splicing suggest that this variant may disrupt the consensus splice site. In summary, the currently available evidence indicates that the variant is pathogenic, but additional data are needed to prove that conclusively. Therefore, this variant has been classified as Likely Pathogenic.

Literature cited by the submitters: PubMed 16199547; PubMed 37195288.

NM_001148.6(ANK2):c.483+1G>A

Gene: ANK2 (ankyrin 2; plus strand). Cytogenetic location: 4q26.
Variant type: single nucleotide variant.
Coding change: c.483+1G>A on transcript NM_001148.6 (MANE Select); the canonical splice donor site of the intron after coding-DNA position 483, G replaced by A.
Molecular consequence: splice donor variant.
Genome position (GRCh38, 1-based): chr4:113,232,260, G>A. VCF-style: chr4-113232260-G-A. GRCh37 (hg19) VCF-style: chr4-114153416-G-A.
Other names: c.420+1G>A (NM_001354264.2, NM_001354267.2, NM_001386162.1 and 33 more transcripts); c.528+1G>A (NM_001354241.2, NM_001386152.1, NM_001354237.2 and 5 more transcripts); c.483+1G>A (NM_001354225.2, NM_001354235.2, NM_001354246.2 and 9 more transcripts); c.471+1G>A (NM_001386186.2, NM_001386148.2, NM_001354269.3 and 1 more transcripts); c.465+1G>A (NM_001386147.1, NM_001386160.1, NM_001354261.2); c.534+1G>A (NM_001386174.1, NM_001386175.1).
Identifiers: ClinVar variation 2101362 (VCV002101362.4), dbSNP rs763130672, ClinGen allele CA3050036.